The following is an entry in ClinVar:

ClinVar aggregate classification (germline): Likely benign. Review status: criteria provided, single submitter (1 of 4 stars). 2 submissions from 2 submitters: Likely benign (1). 1 of the submissions does not count toward it. Last evaluated 2025-10-01.

Conditions:
SETD1B-related disorder. Also called: SETD1B-related condition.

Allele frequency attached by ClinVar (database versions not stated): gnomAD exomes below 0.00001.
gnomAD v4.1: 2 of 1,552,666 alleles (0.00013%); highest among the groups gnomAD compares: South Asian, 0.0024%; no homozygotes.

Submissions (2):

CeGaT Center for Human Genetics Tuebingen
Classification: Likely benign. Last evaluated: 2025-10-01. Review status: criteria provided, single submitter. Criteria: CeGaT Center For Human Genetics Tuebingen Variant Classification Criteria Version 2. Collection method: clinical testing. Allele origin: germline. Affected: yes. Observed: 1 variant allele.
Comment: SETD1B: BP4, BP7

PreventionGenetics, part of Exact Sciences
Classification: Likely benign for SETD1B-related condition. Last evaluated: 2019-05-24. Review status: no assertion criteria provided. Collection method: clinical testing. Allele origin: germline. Not counted in ClinVar's aggregate classification.
Comment: This variant is classified as likely benign based on ACMG/AMP sequence variant interpretation guidelines (Richards et al. 2015 PMID: 25741868, with internal and published modifications).

NM_001353345.2(SETD1B):c.3579G>A (p.Glu1193=)

Gene: SETD1B (SET domain containing 1B, histone lysine methyltransferase; plus strand). Cytogenetic location: 12q24.31.
Variant type: single nucleotide variant.
Coding change: c.3579G>A on transcript NM_001353345.2 (MANE Select); coding-DNA position 3579, G replaced by A.
Protein change: p.Glu1193=; no amino-acid change (glutamic acid 1193 retained).
Molecular consequence: synonymous variant.
Genome position (GRCh38, 1-based): chr12:121,819,564, G>A. VCF-style: chr12-121819564-G-A. GRCh37 (hg19) VCF-style: chr12-122257470-G-A.
Other names: NM_015048.1:c.3450G>A.
Identifiers: ClinVar variation 3038822 (VCV003038822.8), dbSNP rs1876467226, ClinGen allele CA482434865.